The following is an entry in ClinVar:

NM_014991.6(WDFY3):c.497T>C (p.Val166Ala)

Gene: WDFY3 (WD repeat and FYVE domain containing 3; minus strand). Cytogenetic location: 4q21.23.
Variant type: single nucleotide variant.
Coding change: c.497T>C on transcript NM_014991.6 (MANE Select); coding-DNA position 497, T replaced by C.
Protein change: p.Val166Ala; replaces valine 166 with alanine.
Molecular consequence: missense variant.
Genome position (GRCh38, 1-based): chr4:84,837,008, A>G on the plus strand (T>C on the coding strand, the complement: WDFY3 is on the minus strand). VCF-style: chr4-84837008-A-G. GRCh37 (hg19) VCF-style: chr4-85758161-A-G.
Other names: short protein forms V166A.
Identifiers: ClinVar variation 1700322 (VCV001700322.2), dbSNP rs767983191, ClinGen allele CA2994163.

ClinVar aggregate classification (germline): Uncertain significance (1 of 4 stars; one submission).

Allele frequency attached by ClinVar (database versions not stated): gnomAD exomes below 0.00001; ExAC 0.00001.
gnomAD v4.1: 5 of 1,602,884 alleles (0.00031%); highest among the groups gnomAD compares: South Asian, 0.0057%; no homozygotes.

Submission:

GeneDx
Classification: Uncertain significance. Last evaluated: 2022-02-08. Review status: criteria provided, single submitter. Criteria: GeneDx Variant Classification Process June 2021. Collection method: clinical testing. Allele origin: germline. Affected: yes.
Comment: In silico analysis supports that this missense variant does not alter protein structure/function; Has not been previously published as pathogenic or benign to our knowledge